The following is an entry in ClinVar:

ClinVar aggregate classification (germline): Conflicting classifications of pathogenicity. Review status: criteria provided, conflicting classifications (1 of 4 stars). 3 submissions from 3 submitters: Uncertain significance (1); Likely benign (2). Last evaluated 2026-01-06.

Conditions:
Hajdu-Cheney syndrome (HJCYS). Also called: ACROOSTEOLYSIS WITH OSTEOPOROSIS AND CHANGES IN SKULL AND MANDIBLE; SERPENTINE FIBULA-POLYCYSTIC KIDNEY SYNDROME; Acroosteolysis dominant type. Identifiers: Orphanet 955, MedGen C0917715, MONDO:0007057, OMIM 102500.
NOTCH2-related disorder. Also called: NOTCH2-related condition.

Allele frequency attached by ClinVar (database versions not stated): ESP Exome Variant Server 0.00008; ExAC 0.00001; gnomAD exomes 0.00001; gnomAD 0.00003 and 0.00004; TOPMed 0.00004.
gnomAD v4.1: 9 of 1,614,112 alleles (0.00056%); highest among the groups gnomAD compares: African/African-American, 0.008%; no homozygotes.

Submissions (3):

PreventionGenetics, part of Exact Sciences
Classification: Likely benign for NOTCH2-related condition. Last evaluated: 2026-01-06. Review status: criteria provided, single submitter. Criteria: ACMG Guidelines, 2015. Collection method: clinical testing. Allele origin: germline.
Comment: This variant is classified as likely benign based on ACMG/AMP sequence variant interpretation guidelines (Richards et al. 2015 PMID: 25741868, with internal and published modifications).

Labcorp Genetics (formerly Invitae), Labcorp
Classification: Likely benign for Hajdu-Cheney syndrome. Last evaluated: 2025-04-17. Review status: criteria provided, single submitter. Criteria: Invitae Variant Classification Sherloc (09022015). Collection method: clinical testing. Allele origin: germline.

Eurofins Ntd Llc (ga)
Classification: Uncertain significance. Last evaluated: 2015-10-02. Review status: criteria provided, single submitter. Criteria: EGL Classification Definitions 2015. Collection method: clinical testing. Allele origin: germline. Observed: 1 variant allele, 1 heterozygote.

NM_024408.4(NOTCH2):c.3759G>A (p.Leu1253=)

Gene: NOTCH2 (notch receptor 2; minus strand). Cytogenetic location: 1p12.
Variant type: single nucleotide variant.
Coding change: c.3759G>A on transcript NM_024408.4 (MANE Select); coding-DNA position 3759, G replaced by A.
Protein change: p.Leu1253=; no amino-acid change (leucine 1253 retained).
Molecular consequence: synonymous variant.
Genome position (GRCh38, 1-based): chr1:119,929,109, C>T on the plus strand (G>A on the coding strand, the complement: NOTCH2 is on the minus strand). VCF-style: chr1-119929109-C-T. GRCh37 (hg19) VCF-style: chr1-120471732-C-T.
Other names: c.3759G>A (NM_024408.3).
Identifiers: ClinVar variation 283609 (VCV000283609.11), dbSNP rs143045192, ClinGen allele CA1039969.
Genomic context (GRCh38, chr1:119,929,109, plus strand): 5'-GCAGGGGTTGGAGAGGCACTCGTTGATGTCTCCCTCACAACGCTCCCCAGCAAAGCCAGG[C>T]AAGCAGCGACAACTGTAGCCTCCAATCCTATCCATGCACTGACCACCATTAAGGCAATGG-3'
Protein context (NP_077719.2, residues 1243-1263): DRIGGYSCRC[Leu1253=]PGFAGERCEG